The following is an entry in ClinVar:

ClinVar aggregate classification (germline): Uncertain significance (1 of 4 stars; one submission).

Allele frequency attached by ClinVar (database versions not stated): gnomAD exomes below 0.00001; TOPMed below 0.00001; gnomAD 0.00001.
gnomAD v4.1: 7 of 1,597,596 alleles (0.00044%); highest among the groups gnomAD compares: African/African-American, 0.0014%; no homozygotes.

Submission:

GeneDx
Classification: Uncertain significance. Last evaluated: 2019-09-22. Review status: criteria provided, single submitter. Criteria: GeneDx Variant Classification Process June 2021. Collection method: clinical testing. Allele origin: germline. Affected: yes.
Comment: Not observed in large population cohorts (Lek et al., 2016); In silico analysis, which includes protein predictors and evolutionary conservation, supports a deleterious effect; Has not been previously published as pathogenic or benign to our knowledge

NM_170606.3(KMT2C):c.5113C>T (p.Arg1705Cys)

Gene: KMT2C (lysine methyltransferase 2C; minus strand). Cytogenetic location: 7q36.1.
Variant type: single nucleotide variant.
Coding change: c.5113C>T on transcript NM_170606.3 (MANE Select); coding-DNA position 5113, C replaced by T.
Protein change: p.Arg1705Cys; replaces arginine 1705 with cysteine.
Molecular consequence: missense variant.
Genome position (GRCh38, 1-based): chr7:152,183,126, G>A on the plus strand (C>T on the coding strand, the complement: KMT2C is on the minus strand). VCF-style: chr7-152183126-G-A. GRCh37 (hg19) VCF-style: chr7-151880211-G-A.
Other names: short protein forms R1705C.
Identifiers: ClinVar variation 1312362 (VCV001312362.2), dbSNP rs1405586437, ClinGen allele CA370100422.